The following is an entry in ClinVar:

NM_001136191.3(KANK2):c.1729G>A (p.Ala577Thr)

Gene: KANK2 (KN motif and ankyrin repeat domains 2; minus strand). Cytogenetic location: 19p13.2.
Variant type: single nucleotide variant.
Coding change: c.1729G>A on transcript NM_001136191.3 (MANE Select); coding-DNA position 1729, G replaced by A.
Protein change: p.Ala577Thr; replaces alanine 577 with threonine.
Molecular consequence: missense variant.
Genome position (GRCh38, 1-based): chr19:11,176,609, C>T on the plus strand (G>A on the coding strand, the complement: KANK2 is on the minus strand). VCF-style: chr19-11176609-C-T. GRCh37 (hg19) VCF-style: chr19-11287285-C-T.
Other names: c.1729G>A, p.Ala577Thr (NM_001329451.2, NM_001379555.1, NM_001379556.1 and 7 more transcripts); c.1753G>A, p.Ala585Thr (NM_001379548.1, NM_001379549.1, NM_001379550.1 and 5 more transcripts); short protein forms A585T, A577T.
Identifiers: ClinVar variation 4753286 (VCV004753286.1).

ClinVar aggregate classification (germline): Uncertain significance (1 of 4 stars; one submission).

Submission:

Labcorp Genetics (formerly Invitae), Labcorp
Classification: Uncertain significance. Last evaluated: 2025-06-12. Review status: criteria provided, single submitter. Criteria: Invitae Variant Classification Sherloc (09022015). Collection method: clinical testing. Allele origin: germline.
Comment: This sequence change replaces alanine, which is neutral and non-polar, with threonine, which is neutral and polar, at codon 577 of the KANK2 protein (p.Ala577Thr). This variant is present in population databases (rs748853344, gnomAD 0.0009%). This variant has not been reported in the literature in individuals affected with KANK2-related conditions. An algorithm developed to predict the effect of missense changes on protein structure and function outputs the following: PolyPhen-2: "Benign". The threonine amino acid residue is found in multiple mammalian species, which suggests that this missense change does not adversely affect protein function. In summary, the available evidence is currently insufficient to determine the role of this variant in disease. Therefore, it has been classified as a Variant of Uncertain Significance.